The following is an entry in ClinVar:

NM_006904.7(PRKDC):c.3599-20A>C

Gene: PRKDC (protein kinase, DNA-activated, catalytic subunit; minus strand). Cytogenetic location: 8q11.21.
Variant type: single nucleotide variant.
Coding change: c.3599-20A>C on transcript NM_006904.7 (MANE Select); 20 bases into the intron before coding-DNA position 3599, A replaced by C.
Molecular consequence: intron variant.
Genome position (GRCh38, 1-based): chr8:47,893,407, T>G on the plus strand (A>C on the coding strand, the complement: PRKDC is on the minus strand). VCF-style: chr8-47893407-T-G. GRCh37 (hg19) VCF-style: chr8-48805967-T-G.
Other names: c.3599-20A>C (NM_001081640.2).
Identifiers: ClinVar variation 2025261 (VCV002025261.1), dbSNP rs2551874377, ClinGen allele CA2580078351.

ClinVar aggregate classification (germline): Uncertain significance (1 of 4 stars; one submission).

Conditions:
Severe combined immunodeficiency due to DNA-PKcs deficiency. Also called: IMMUNODEFICIENCY 26 WITH NEUROLOGIC ABNORMALITIES; Immunodeficiency 26 with or without neurologic abnormalities. Identifiers: Orphanet 317425, MedGen C4014833, MONDO:0014423, OMIM 615966.

Submission:

Labcorp Genetics (formerly Invitae), Labcorp
Classification: Uncertain significance for Severe combined immunodeficiency due to DNA-PKcs deficiency. Last evaluated: 2022-08-20. Review status: criteria provided, single submitter. Criteria: Invitae Variant Classification Sherloc (09022015). Collection method: clinical testing. Allele origin: germline.
Comment: This sequence change falls in intron 30 of the PRKDC gene. It does not directly change the encoded amino acid sequence of the PRKDC protein. This variant is not present in population databases (gnomAD no frequency). This variant has not been reported in the literature in individuals affected with PRKDC-related conditions. Experimental studies and prediction algorithms are not available or were not evaluated, and the effect of this variant on mRNA splicing is currently unknown. In summary, the available evidence is currently insufficient to determine the role of this variant in disease. Therefore, it has been classified as a Variant of Uncertain Significance.